The following is an entry in ClinVar:

ClinVar aggregate classification (germline): Uncertain significance. Review status: criteria provided, multiple submitters, no conflicts (2 of 4 stars). 2 submissions from 2 submitters: Uncertain significance (2). Last evaluated 2025-08-07.

Submissions (2):

Ambry Genetics
Classification: Uncertain significance. Last evaluated: 2025-08-07. Review status: criteria provided, single submitter. Criteria: Ambry Variant Classification Scheme 2023. Collection method: clinical testing. Allele origin: germline.

Labcorp Genetics (formerly Invitae), Labcorp
Classification: Uncertain significance. Last evaluated: 2025-07-02. Review status: criteria provided, single submitter. Criteria: Invitae Variant Classification Sherloc (09022015). Collection method: clinical testing. Allele origin: germline.
Comment: This sequence change replaces arginine, which is basic and polar, with glutamine, which is neutral and polar, at codon 51 of the CHCHD2 protein (p.Arg51Gln). This variant is present in population databases (no rsID available, gnomAD 0.003%). This variant has not been reported in the literature in individuals affected with CHCHD2-related conditions. Experimental studies and prediction algorithms are not available or were not evaluated, and the functional significance of this variant is currently unknown. In summary, the available evidence is currently insufficient to determine the role of this variant in disease. Therefore, it has been classified as a Variant of Uncertain Significance.

NM_016139.4(CHCHD2):c.152G>A (p.Arg51Gln)

Gene: CHCHD2 (coiled-coil-helix-coiled-coil-helix domain containing 2; minus strand). Cytogenetic location: 7p11.2.
Variant type: single nucleotide variant.
Coding change: c.152G>A on transcript NM_016139.4 (MANE Select); coding-DNA position 152, G replaced by A.
Protein change: p.Arg51Gln; replaces arginine 51 with glutamine.
Molecular consequence: missense variant.
Genome position (GRCh38, 1-based): chr7:56,104,374, C>T on the plus strand (G>A on the coding strand, the complement: CHCHD2 is on the minus strand). VCF-style: chr7-56104374-C-T. GRCh37 (hg19) VCF-style: chr7-56172067-C-T.
Other names: c.152G>A, p.Arg51Gln (NM_001320327.2); short protein forms R51Q.
Identifiers: ClinVar variation 4227682 (VCV004227682.2).